The following is an entry in ClinVar:

NM_001122681.2(SH3BP2):c.737A>C (p.Asp246Ala)

Gene: SH3BP2 (SH3 domain binding protein 2; plus strand). Cytogenetic location: 4p16.3.
Variant type: single nucleotide variant.
Coding change: c.737A>C on transcript NM_001122681.2 (MANE Select); coding-DNA position 737, A replaced by C.
Protein change: p.Asp246Ala; replaces aspartic acid 246 with alanine.
Molecular consequence: missense variant.
Genome position (GRCh38, 1-based): chr4:2,829,643, A>C. VCF-style: chr4-2829643-A-C. GRCh37 (hg19) VCF-style: chr4-2831370-A-C.
Other names: c.821A>C, p.Asp274Ala (NM_001145855.2); c.908A>C, p.Asp303Ala (NM_001145856.2); c.737A>C, p.Asp246Ala (NM_003023.4); short protein forms D274A, D246A, D303A.
Identifiers: ClinVar variation 4769090 (VCV004769090.1).
Genomic context (GRCh38, chr4:2,829,643, plus strand): 5'-TTACCTCCAAGGGCCCCGGTCCCCTACTGCCACCCCCGCCCCCTAAGCACGGCCTCCCAG[A>C]TGTTGGCCTGGCTGCTGAGGACTCCAAGAGGGACCCACTGTGCCCGAGGCGGGCTGAGCC-3'
Protein context (NP_001116153.1, residues 236-256): PPPPPKHGLP[Asp246Ala]VGLAAEDSKR

ClinVar aggregate classification (germline): Uncertain significance (1 of 4 stars; one submission).

Conditions:
Fibrous dysplasia of jaw (CRBM). Also called: Cherubism. Identifiers: Orphanet 184, MedGen C0008029, MONDO:0007315, OMIM 118400.

gnomAD v4.1: 2 of 1,612,324 alleles (0.00012%); highest among the groups gnomAD compares: Non-Finnish European, 0.00017%; no homozygotes.

Submission:

Labcorp Genetics (formerly Invitae), Labcorp
Classification: Uncertain significance for Fibrous dysplasia of jaw. Last evaluated: 2025-12-22. Review status: criteria provided, single submitter. Criteria: Invitae Variant Classification Sherloc (09022015). Collection method: clinical testing. Allele origin: germline.
Comment: This sequence change replaces aspartic acid, which is acidic and polar, with alanine, which is neutral and non-polar, at codon 246 of the SH3BP2 protein (p.Asp246Ala). This variant is not present in population databases (gnomAD no frequency). This variant has not been reported in the literature in individuals affected with SH3BP2-related conditions. Invitae Evidence Modeling of protein sequence and biophysical properties (such as structural, functional, and spatial information, amino acid conservation, physicochemical variation, residue mobility, and thermodynamic stability) indicates that this missense variant is not expected to disrupt SH3BP2 protein function with a negative predictive value of 95%. In summary, the available evidence is currently insufficient to determine the role of this variant in disease. Therefore, it has been classified as a Variant of Uncertain Significance.